The following is an entry in ClinVar:

ClinVar aggregate classification (germline): Likely benign (0 of 4 stars; one submission).

Conditions:
MYO1F-related disorder. Also called: MYO1F-related condition.

Allele frequency attached by ClinVar (database versions not stated): gnomAD exomes 0.00009; gnomAD 0.00017; TOPMed 0.00023; ExAC 0.00049; 1000 Genomes Project 30x 0.00078; 1000 Genomes Project 0.00080.
gnomAD v4.1: 168 of 1,613,174 alleles (0.01%); highest among the groups gnomAD compares: East Asian, 0.35%; 2 homozygotes.

Submission:

PreventionGenetics, part of Exact Sciences
Classification: Likely benign for MYO1F-related condition. Last evaluated: 2020-09-30. Review status: no assertion criteria provided. Collection method: clinical testing. Allele origin: germline.
Comment: This variant is classified as likely benign based on ACMG/AMP sequence variant interpretation guidelines (Richards et al. 2015 PMID: 25741868, with internal and published modifications).

NM_012335.4(MYO1F):c.3050+5G>A

Gene: MYO1F (myosin IF; minus strand). Cytogenetic location: 19p13.2.
Variant type: single nucleotide variant.
Coding change: c.3050+5G>A on transcript NM_012335.4 (MANE Select); 5 bases into the intron after coding-DNA position 3050, G replaced by A.
Molecular consequence: intron variant.
Genome position (GRCh38, 1-based): chr19:8,522,629, C>T on the plus strand (G>A on the coding strand, the complement: MYO1F is on the minus strand). VCF-style: chr19-8522629-C-T. GRCh37 (hg19) VCF-style: chr19-8587513-C-T.
Other names: c.3038+5G>A (NM_001348355.2).
Identifiers: ClinVar variation 3046950 (VCV003046950.2), dbSNP rs201056652, ClinGen allele CA9158699.